The following is an entry in ClinVar:

ClinVar aggregate classification (germline): Uncertain significance (1 of 4 stars; one submission).

Conditions:
Hereditary cancer-predisposing syndrome. Also called: Hereditary Cancer Syndrome; Hereditary neoplastic syndrome; Neoplastic Syndromes, Hereditary; Tumor predisposition. Identifiers: Orphanet 140162, MedGen C0027672, MeSH D009386, MONDO:0015356.

Allele frequency attached by ClinVar (database versions not stated): TOPMed below 0.00001.

Submission:

Ambry Genetics
Classification: Uncertain significance for Hereditary cancer-predisposing syndrome. Last evaluated: 2022-06-20. Review status: criteria provided, single submitter. Criteria: Ambry Variant Classification Scheme 2023. Collection method: clinical testing. Allele origin: germline.
Comment: The p.P146L variant (also known as c.437C>T), located in coding exon 6 of the SDHC gene, results from a C to T substitution at nucleotide position 437. The proline at codon 146 is replaced by leucine, an amino acid with similar properties. This amino acid position is conserved. In addition, the in silico prediction for this alteration is inconclusive. Since supporting evidence is limited at this time, the clinical significance of this alteration remains unclear.

NM_003001.5(SDHC):c.437C>T (p.Pro146Leu)

Gene: SDHC (succinate dehydrogenase complex subunit C; plus strand). Cytogenetic location: 1q23.3.
Variant type: single nucleotide variant.
Coding change: c.437C>T on transcript NM_003001.5 (MANE Select); coding-DNA position 437, C replaced by T.
Protein change: p.Pro146Leu; replaces proline 146 with leucine.
Molecular consequence: missense variant. On other transcripts: synonymous variant (3), non-coding transcript variant (1).
Genome position (GRCh38, 1-based): chr1:161,362,360, C>T. VCF-style: chr1-161362360-C-T. GRCh37 (hg19) VCF-style: chr1-161332150-C-T.
Other names: c.273C>T, p.Ser91= (NM_001035511.3); c.335C>T, p.Pro112Leu (NM_001035512.3); c.278C>T, p.Pro93Leu (NM_001035513.3); c.171C>T, p.Ser57= (NM_001278172.3); c.557C>T, p.Pro186Leu (NM_001407115.1); c.380C>T, p.Pro127Leu (NM_001407116.1); c.374C>T, p.Pro125Leu (NM_001407117.1); c.329C>T, p.Pro110Leu (NM_001407118.1); and 2 more; short protein forms P127L, P112L, P186L, P109L, P93L, P125L, P146L, P110L.
Identifiers: ClinVar variation 1740141 (VCV001740141.2), dbSNP rs1672550120, ClinGen allele CA343457686.